The following is an entry in ClinVar:

NM_002734.5(PRKAR1A):c.459G>A (p.Met153Ile)

Gene: PRKAR1A (protein kinase cAMP-dependent type I regulatory subunit alpha; plus strand). Cytogenetic location: 17q24.2.
Variant type: single nucleotide variant.
Coding change: c.459G>A on transcript NM_002734.5 (MANE Select); coding-DNA position 459, G replaced by A.
Protein change: p.Met153Ile; replaces methionine 153 with isoleucine.
Molecular consequence: missense variant.
Genome position (GRCh38, 1-based): chr17:68,524,034, G>A. VCF-style: chr17-68524034-G-A. GRCh37 (hg19) VCF-style: chr17-66520175-G-A.
Other names: c.459G>A, p.Met153Ile (NM_001276289.2, NM_001276290.1, NM_001278433.2 and 4 more transcripts); c.459G>A (NM_002734.3); short protein forms M153I.
Identifiers: ClinVar variation 3720818 (VCV003720818.3).

ClinVar aggregate classification (germline): Uncertain significance. Review status: criteria provided, multiple submitters, no conflicts (2 of 4 stars). 2 submissions from 2 submitters: Uncertain significance (2). Last evaluated 2025-09-20.

Conditions:
Carney complex, type 1 (CNC1). Also called: CARNEY COMPLEX, TYPE I; CARNEY MYXOMA-ENDOCRINE COMPLEX. Identifiers: Orphanet 1359, MedGen C2607929, MONDO:0008057, OMIM 160980.
Hereditary cancer-predisposing syndrome. Also called: Tumor predisposition; Hereditary Cancer Syndrome; Hereditary neoplastic syndrome; Neoplastic Syndromes, Hereditary. Identifiers: Orphanet 140162, MedGen C0027672, MeSH D009386, MONDO:0015356.

Submissions (2):

Ambry Genetics
Classification: Uncertain significance for Hereditary cancer-predisposing syndrome. Last evaluated: 2025-09-20. Review status: criteria provided, single submitter. Criteria: Ambry Variant Classification Scheme 2023. Collection method: clinical testing. Allele origin: germline.
Comment: The p.M153I variant (also known as c.459G>A), located in coding exon 4 of the PRKAR1A gene, results from a G to A substitution at nucleotide position 459. The methionine at codon 153 is replaced by isoleucine, an amino acid with highly similar properties. This amino acid position is conserved. In addition, this alteration is predicted to be deleterious by in silico analysis. Based on the available evidence, the clinical significance of this variant remains unclear.

Labcorp Genetics (formerly Invitae), Labcorp
Classification: Uncertain significance for Carney complex, type 1. Last evaluated: 2025-01-17. Review status: criteria provided, single submitter. Criteria: Invitae Variant Classification Sherloc (09022015). Collection method: clinical testing. Allele origin: germline.
Comment: This sequence change replaces methionine, which is neutral and non-polar, with isoleucine, which is neutral and non-polar, at codon 153 of the PRKAR1A protein (p.Met153Ile). This variant is not present in population databases (gnomAD no frequency). This variant has not been reported in the literature in individuals affected with PRKAR1A-related conditions. Invitae Evidence Modeling of protein sequence and biophysical properties (such as structural, functional, and spatial information, amino acid conservation, physicochemical variation, residue mobility, and thermodynamic stability) has been performed for this missense variant. However, the output from this modeling did not meet the statistical confidence thresholds required to predict the impact of this variant on PRKAR1A protein function. In summary, the available evidence is currently insufficient to determine the role of this variant in disease. Therefore, it has been classified as a Variant of Uncertain Significance.